The following is an entry in ClinVar:

NM_004586.3(RPS6KA3):c.1839C>T (p.Thr613=)

Gene: RPS6KA3 (ribosomal protein S6 kinase A3; minus strand). Cytogenetic location: Xp22.12.
Variant type: single nucleotide variant.
Coding change: c.1839C>T on transcript NM_004586.3 (MANE Select); coding-DNA position 1839, C replaced by T.
Protein change: p.Thr613=; no amino-acid change (threonine 613 retained).
Molecular consequence: synonymous variant.
Genome position (GRCh38, 1-based): chrX:20,162,966, G>A on the plus strand (C>T on the coding strand, the complement: RPS6KA3 is on the minus strand). VCF-style: chrX-20162966-G-A. GRCh37 (hg19) VCF-style: chrX-20181084-G-A.
Other names: NC_000023.10:g.20181084G>A; c.1755C>T, p.Thr585= (NM_001438340.1); c.1839C>T (NM_004586.2).
Identifiers: ClinVar variation 4484188 (VCV004484188.2).

ClinVar aggregate classification (germline): Likely benign (1 of 4 stars; one submission).

Conditions:
RPS6KA3-related disorder. Also called: RPS6KA3-related condition.

gnomAD v4.1: 6 of 1,129,077 alleles (0.00053%); highest among the groups gnomAD compares: Admixed American, 0.0022%; no homozygotes.

Submissions (3):

PreventionGenetics, part of Exact Sciences
Classification: Likely benign for RPS6KA3-related condition. Last evaluated: 2025-01-29. Review status: criteria provided, single submitter. Criteria: ACMG Guidelines, 2015. Collection method: clinical testing. Allele origin: germline.
Comment: This variant is classified as likely benign based on ACMG/AMP sequence variant interpretation guidelines (Richards et al. 2015 PMID: 25741868, with internal and published modifications).

Dr. Peter K. Rogan Lab, Western University
No classification provided (evidence only). Condition: Thyroid cancer, nonmedullary, 1. Review status: no classification provided. Collection method: in vitro. Allele origin: not applicable. Functional consequence: retained intron. Not counted in ClinVar's aggregate classification.

Dr. Peter K. Rogan Lab, Western University
No classification provided (evidence only). Condition: Thyroid cancer, nonmedullary, 1. Review status: no classification provided. Collection method: in vitro. Allele origin: not applicable. Functional consequence: retained intron. Not counted in ClinVar's aggregate classification.